The following is an entry in ClinVar:

NM_004991.4(MECOM):c.427G>A (p.Asp143Asn)

Gene: MECOM (MDS1 and EVI1 complex locus; minus strand). Cytogenetic location: 3q26.2.
Variant type: single nucleotide variant.
Coding change: c.427G>A on transcript NM_004991.4 (MANE Select); coding-DNA position 427, G replaced by A.
Protein change: p.Asp143Asn; replaces aspartic acid 143 with asparagine.
Molecular consequence: missense variant. On other transcripts: 5 prime UTR variant (12).
Genome position (GRCh38, 1-based): chr3:169,143,781, C>T on the plus strand (G>A on the coding strand, the complement: MECOM is on the minus strand). VCF-style: chr3-169143781-C-T. GRCh37 (hg19) VCF-style: chr3-168861569-C-T.
Other names: c.55G>A, p.Asp19Asn (NM_001105077.4); c.-138G>A (NM_001105078.4, NM_001163999.2, NM_001164000.2 and 9 more transcripts); c.427G>A, p.Asp143Asn (NM_001366466.2, NM_001366473.2); short protein forms D143N, D19N.
Identifiers: ClinVar variation 2629039 (VCV002629039.4), dbSNP rs772968266, ClinGen allele CA2696564.

ClinVar aggregate classification (germline): Conflicting classifications of pathogenicity. Review status: criteria provided, conflicting classifications (1 of 4 stars). 3 submissions from 3 submitters: Uncertain significance (2); Likely benign (1). Last evaluated 2024-12-08.

Conditions:
Inborn genetic diseases. Identifiers: MedGen C0950123, MeSH D030342.
MECOM-related disorder. Also called: MECOM-related condition.

Allele frequency attached by ClinVar (database versions not stated): gnomAD exomes 0.00002; gnomAD 0.00003; ExAC 0.00006; TOPMed 0.00006.
gnomAD v4.1: 39 of 1,611,642 alleles (0.0024%); highest among the groups gnomAD compares: East Asian, 0.087%; no homozygotes.

Submissions (3):

Ambry Genetics
Classification: Uncertain significance for Inborn genetic diseases. Last evaluated: 2024-12-08. Review status: criteria provided, single submitter. Criteria: Ambry Variant Classification Scheme 2023. Collection method: clinical testing. Allele origin: germline.
Comment: The p.D143N variant (also known as c.427G>A), located in coding exon 3 of the MECOM gene, results from a G to A substitution at nucleotide position 427. The aspartic acid at codon 143 is replaced by asparagine, an amino acid with highly similar properties. This amino acid position is conserved. In addition, this alteration is predicted to be tolerated by in silico analysis. Based on the available evidence, the clinical significance of this variant remains unclear.

PreventionGenetics, part of Exact Sciences
Classification: Uncertain significance for MECOM-related condition. Last evaluated: 2023-07-07. Review status: criteria provided, single submitter. Criteria: ACMG Guidelines, 2015. Collection method: clinical testing. Allele origin: germline.
Comment: The MECOM c.427G>A variant is predicted to result in the amino acid substitution p.Asp143Asn. To our knowledge, this variant has not been reported in the literature. This variant is reported in 0.11% of alleles in individuals of East Asian descent in gnomAD. Although we suspect that this variant may be benign, at this time, the clinical significance of this variant is uncertain due to the absence of conclusive functional and genetic evidence.

Blueprint Genetics
Classification: Likely benign. Last evaluated: 2022-08-15. Review status: criteria provided, single submitter. Criteria: ACMG Guidelines, 2015. Collection method: clinical testing. Allele origin: germline.